The following is an entry in ClinVar:

NM_000553.6(WRN):c.754A>T (p.Lys252Ter)

Gene: WRN (WRN RecQ like helicase; plus strand). Cytogenetic location: 8p12.
Variant type: single nucleotide variant.
Coding change: c.754A>T on transcript NM_000553.6 (MANE Select); coding-DNA position 754, A replaced by T.
Protein change: p.Lys252Ter; replaces lysine 252 with a stop codon.
Molecular consequence: nonsense.
Genome position (GRCh38, 1-based): chr8:31,076,202, A>T. VCF-style: chr8-31076202-A-T. GRCh37 (hg19) VCF-style: chr8-30933718-A-T.
Other names: short protein forms K252*.
Identifiers: ClinVar variation 1068691 (VCV001068691.5), dbSNP rs751986285, ClinGen allele CA370918408.

ClinVar aggregate classification (germline): Pathogenic (1 of 4 stars; one submission).

Conditions:
Werner syndrome (WRN). Identifiers: Orphanet 902, MedGen C0043119, MONDO:0010196, OMIM 277700.

Submission:

Labcorp Genetics (formerly Invitae), Labcorp
Classification: Pathogenic for Werner syndrome. Last evaluated: 2022-03-07. Review status: criteria provided, single submitter. Criteria: Invitae Variant Classification Sherloc (09022015). Collection method: clinical testing. Allele origin: germline.
Comment: For these reasons, this variant has been classified as Pathogenic. ClinVar contains an entry for this variant (Variation ID: 1068691). This variant has not been reported in the literature in individuals affected with WRN-related conditions. This variant is not present in population databases (gnomAD no frequency). This sequence change creates a premature translational stop signal (p.Lys252*) in the WRN gene. It is expected to result in an absent or disrupted protein product. Loss-of-function variants in WRN are known to be pathogenic (PMID: 16673358).

Literature cited by the submitters: PubMed 16673358.